The following is an entry in ClinVar:

NM_017636.4(TRPM4):c.2278G>C (p.Gly760Arg)

Gene: TRPM4 (transient receptor potential cation channel subfamily M member 4; plus strand). Cytogenetic location: 19q13.33.
Variant type: single nucleotide variant.
Coding change: c.2278G>C on transcript NM_017636.4 (MANE Select); coding-DNA position 2278, G replaced by C.
Protein change: p.Gly760Arg; replaces glycine 760 with arginine.
Molecular consequence: missense variant. On other transcripts: intron variant (1).
Genome position (GRCh38, 1-based): chr19:49,196,507, G>C. VCF-style: chr19-49196507-G-C. GRCh37 (hg19) VCF-style: chr19-49699764-G-C.
Other names: c.1933G>C, p.Gly645Arg (NM_001321281.2); c.670G>C, p.Gly224Arg (NM_001321282.2); c.1756G>C, p.Gly586Arg (NM_001321283.2); c.1216G>C, p.Gly406Arg (NM_001321285.2); c.2211-3793G>C (NM_001195227.2); short protein forms G406R, G645R, G224R, G760R, G586R.
Identifiers: ClinVar variation 1422261 (VCV001422261.8), dbSNP rs1181789031, ClinGen allele CA406808675.

ClinVar aggregate classification (germline): Uncertain significance (1 of 4 stars; one submission).

Conditions:
Progressive familial heart block type IB (PFHB1B). Identifiers: Orphanet 871, MedGen C1970298, MONDO:0011474, OMIM 604559.

Submission:

Labcorp Genetics (formerly Invitae), Labcorp
Classification: Uncertain significance for Progressive familial heart block type IB. Last evaluated: 2021-04-17. Review status: criteria provided, single submitter. Criteria: Invitae Variant Classification Sherloc (09022015). Collection method: clinical testing. Allele origin: germline.
Comment: In summary, the available evidence is currently insufficient to determine the role of this variant in disease. Therefore, it has been classified as a Variant of Uncertain Significance. Algorithms developed to predict the effect of missense changes on protein structure and function output the following: SIFT: "Tolerated"; PolyPhen-2: "Benign"; Align-GVGD: "Class C0". The arginine amino acid residue is found in multiple mammalian species, suggesting that this missense change does not adversely affect protein function. These predictions have not been confirmed by published functional studies and their clinical significance is uncertain. This variant has not been reported in the literature in individuals with TRPM4-related conditions. The frequency data for this variant in the population databases is considered unreliable, as metrics indicate insufficient coverage at this position in the ExAC database. This sequence change replaces glycine with arginine at codon 760 of the TRPM4 protein (p.Gly760Arg). The glycine residue is weakly conserved and there is a moderate physicochemical difference between glycine and arginine.